The following is an entry in ClinVar:

ClinVar aggregate classification (germline): Likely pathogenic (1 of 4 stars; one submission).

Conditions:
Usher syndrome type 1D (USH1D). Also called: USHER SYNDROME, TYPE ID. Identifiers: Orphanet 231169, Orphanet 886, MedGen C1832845, MONDO:0010984, OMIM 601067.
Autosomal recessive nonsyndromic hearing loss 12. Also called: DEAFNESS, AUTOSOMAL RECESSIVE 12. Identifiers: Orphanet 90636, MedGen C1832394, MONDO:0011067, OMIM 601386.

Submission:

Juno Genomics, Hangzhou Juno Genomics, Inc
Classification: Likely pathogenic for Autosomal recessive nonsyndromic hearing loss 12; Usher syndrome type 1D. Review status: criteria provided, single submitter. Criteria: ACMG Guidelines, 2015. Collection method: clinical testing. Allele origin: germline.
Comment: Null variant in a gene where loss of function (LOF) is a known mechanism of disease.;Absent from controls (or at extremely low frequency if recessive) in Genome Aggregation Database.

NM_022124.6(CDH23):c.688C>T (p.Gln230Ter)

Gene: CDH23 (cadherin related 23; plus strand). Cytogenetic location: 10q22.1.
Variant type: single nucleotide variant.
Coding change: c.688C>T on transcript NM_022124.6 (MANE Select); coding-DNA position 688, C replaced by T.
Protein change: p.Gln230Ter; replaces glutamine 230 with a stop codon.
Molecular consequence: nonsense.
Genome position (GRCh38, 1-based): chr10:71,570,853, C>T. VCF-style: chr10-71570853-C-T. GRCh37 (hg19) VCF-style: chr10-73330610-C-T.
Other names: c.688C>T, p.Gln230Ter (NM_001171930.2, NM_001171931.2, NM_001171932.2 and 1 more transcripts); short protein forms Q230*.
Identifiers: ClinVar variation 5007731 (VCV005007731.2).